The following is an entry in ClinVar:

NM_001905.4(CTPS1):c.1005+6G>A

Gene: CTPS1 (CTP synthase 1; plus strand). Cytogenetic location: 1p34.2.
Variant type: single nucleotide variant.
Coding change: c.1005+6G>A on transcript NM_001905.4 (MANE Select); 6 bases into the intron after coding-DNA position 1005, G replaced by A.
Molecular consequence: intron variant.
Genome position (GRCh38, 1-based): chr1:40,997,532, G>A. VCF-style: chr1-40997532-G-A. GRCh37 (hg19) VCF-style: chr1-41463204-G-A.
Other names: c.537+6G>A (NM_001301237.2).
Identifiers: ClinVar variation 1516866 (VCV001516866.6), dbSNP rs2148406240, ClinGen allele CA2573132346.

ClinVar aggregate classification (germline): Uncertain significance (1 of 4 stars; one submission).

Conditions:
Combined immunodeficiency due to CTPS1 deficiency. Also called: Immunodeficiency 24; Severe combined immunodeficiency due to CTPS1 deficiency. Identifiers: Orphanet 420573, MedGen C4014617, MONDO:0014391, OMIM 615897.

Submission:

Labcorp Genetics (formerly Invitae), Labcorp
Classification: Uncertain significance for Combined immunodeficiency due to CTPS1 deficiency. Last evaluated: 2022-07-12. Review status: criteria provided, single submitter. Criteria: Invitae Variant Classification Sherloc (09022015). Collection method: clinical testing. Allele origin: germline.
Comment: In summary, the available evidence is currently insufficient to determine the role of this variant in disease. Therefore, it has been classified as a Variant of Uncertain Significance. Variants that disrupt the consensus splice site are a relatively common cause of aberrant splicing (PMID: 17576681, 9536098). Algorithms developed to predict the effect of sequence changes on RNA splicing suggest that this variant is not likely to affect RNA splicing. ClinVar contains an entry for this variant (Variation ID: 1516866). This variant has not been reported in the literature in individuals affected with CTPS1-related conditions. This variant is not present in population databases (gnomAD no frequency). This sequence change falls in intron 9 of the CTPS1 gene. It does not directly change the encoded amino acid sequence of the CTPS1 protein. It affects a nucleotide within the consensus splice site.

Literature cited by the submitters: PubMed 17576681; PubMed 9536098.